The following is an entry in ClinVar:

ClinVar aggregate classification (germline): Pathogenic (1 of 4 stars; one submission).

Submission:

Labcorp Genetics (formerly Invitae), Labcorp
Classification: Pathogenic. Last evaluated: 2022-07-09. Review status: criteria provided, single submitter. Criteria: Invitae Variant Classification Sherloc (09022015). Collection method: clinical testing. Allele origin: germline.
Comment: This sequence change creates a premature translational stop signal (p.Pro537Argfs*9) in the NEXMIF gene. It is expected to result in an absent or disrupted protein product. Loss-of-function variants in NEXMIF are known to be pathogenic (PMID: 23615299). This variant is not present in population databases (gnomAD no frequency). This variant has not been reported in the literature in individuals affected with NEXMIF-related conditions. For these reasons, this variant has been classified as Pathogenic.

Literature cited by the submitters: PubMed 23615299.

NM_001008537.3(NEXMIF):c.1610_1611del (p.Pro537fs)

Gene: NEXMIF (neurite extension and migration factor; minus strand). Cytogenetic location: Xq13.3.
Variant type: Deletion.
Coding change: c.1610_1611del on transcript NM_001008537.3 (MANE Select); coding-DNA positions 1610 to 1611, 2 bases deleted (CT; older notation c.1610_1611delCT).
Protein change: p.Pro537fs; shifts the reading frame from proline 537.
Molecular consequence: frameshift variant.
Genome position (GRCh38, 1-based): chrX:74,742,946-74,742,947, AG deleted on the plus strand (CT on the coding strand, the reverse complement: NEXMIF is on the minus strand). VCF-style (leftmost placement, unchanged base first): chrX-74742945-CAG-C. GRCh37 (hg19) VCF-style: chrX-73962780-CAG-C.
Other names: short protein forms P537fs.
Identifiers: ClinVar variation 2015302 (VCV002015302.4), dbSNP rs2519915185, ClinGen allele CA2580101513.